The following is an entry in ClinVar:

ClinVar aggregate classification (germline): Uncertain significance (1 of 4 stars; one submission).

Submission:

Labcorp Genetics (formerly Invitae), Labcorp
Classification: Uncertain significance. Last evaluated: 2022-01-07. Review status: criteria provided, single submitter. Criteria: Invitae Variant Classification Sherloc (09022015). Collection method: clinical testing. Allele origin: germline.
Comment: This sequence change replaces arginine, which is basic and polar, with lysine, which is basic and polar, at codon 1047 of the CENPJ protein (p.Arg1047Lys). This variant is not present in population databases (gnomAD no frequency). This variant has not been reported in the literature in individuals affected with CENPJ-related conditions. Algorithms developed to predict the effect of missense changes on protein structure and function (SIFT, PolyPhen-2, Align-GVGD) all suggest that this variant is likely to be tolerated. In summary, the available evidence is currently insufficient to determine the role of this variant in disease. Therefore, it has been classified as a Variant of Uncertain Significance.

NM_018451.5(CPAP):c.3140G>A (p.Arg1047Lys)

Gene: CPAP (centrosome assembly and centriole elongation protein; minus strand). Cytogenetic location: 13q12.12.
Variant type: single nucleotide variant.
Coding change: c.3140G>A on transcript NM_018451.5 (MANE Select); coding-DNA position 3140, G replaced by A.
Protein change: p.Arg1047Lys; replaces arginine 1047 with lysine.
Molecular consequence: missense variant. On other transcripts: non-coding transcript variant (2).
Genome position (GRCh38, 1-based): chr13:24,892,719, C>T on the plus strand (G>A on the coding strand, the complement: CPAP is on the minus strand). VCF-style: chr13-24892719-C-T. GRCh37 (hg19) VCF-style: chr13-25466857-C-T.
Other names: short protein forms R1047K.
Identifiers: ClinVar variation 1963130 (VCV001963130.5), dbSNP rs970616578, ClinGen allele CA247067899.